The following is an entry in ClinVar:

NM_004360.5(CDH1):c.1172T>G (p.Val391Gly)

Gene: CDH1 (cadherin 1; plus strand). Cytogenetic location: 16q22.1.
Variant type: single nucleotide variant.
Coding change: c.1172T>G on transcript NM_004360.5 (MANE Select); coding-DNA position 1172, T replaced by G.
Protein change: p.Val391Gly; replaces valine 391 with glycine.
Molecular consequence: missense variant. On other transcripts: 5 prime UTR variant (2), intron variant (1).
Genome position (GRCh38, 1-based): chr16:68,813,347, T>G. VCF-style: chr16-68813347-T-G. GRCh37 (hg19) VCF-style: chr16-68847250-T-G.
Other names: c.1172T>G (LRG_301t1); c.-444T>G (NM_001317185.2); c.-648T>G (NM_001317186.2); c.1137+1084T>G (NM_001317184.2); short protein forms V391G.
Identifiers: ClinVar variation 483236 (VCV000483236.14), dbSNP rs1555515873, ClinGen allele CA396461163.

ClinVar aggregate classification (germline): Conflicting classifications of pathogenicity. Review status: criteria provided, conflicting classifications (1 of 4 stars). 2 submissions from 2 submitters: Uncertain significance (1); Likely benign (1). Last evaluated 2026-07-07.

Conditions:
Hereditary diffuse gastric adenocarcinoma (HDGC). Also called: DIFFUSE GASTRIC AND LOBULAR BREAST CANCER SYNDROME. Identifiers: Orphanet 26106, MedGen C1708349, MONDO:0007648, OMIM 137215.
Hereditary cancer-predisposing syndrome. Also called: Neoplastic Syndromes, Hereditary; Hereditary neoplastic syndrome; Hereditary Cancer Syndrome; Tumor predisposition. Identifiers: Orphanet 140162, MedGen C0027672, MeSH D009386, MONDO:0015356.

Submissions (2):

Ambry Genetics
Classification: Likely benign for Hereditary cancer-predisposing syndrome. Last evaluated: 2026-07-07. Review status: criteria provided, single submitter. Criteria: Ambry Variant Classification Scheme 2023. Collection method: clinical testing. Allele origin: germline.

Labcorp Genetics (formerly Invitae), Labcorp
Classification: Uncertain significance for Hereditary diffuse gastric adenocarcinoma. Last evaluated: 2026-01-19. Review status: criteria provided, single submitter. Criteria: Invitae Variant Classification Sherloc (09022015). Collection method: clinical testing. Allele origin: germline.
Comment: This sequence change replaces valine, which is neutral and non-polar, with glycine, which is neutral and non-polar, at codon 391 of the CDH1 protein (p.Val391Gly). This variant is not present in population databases (gnomAD no frequency). This variant has not been reported in the literature in individuals affected with CDH1-related conditions. ClinVar contains an entry for this variant (Variation ID: 483236). An algorithm developed to predict the effect of missense changes on protein structure and function (PolyPhen-2) suggests that this variant is likely to be tolerated. In summary, the available evidence is currently insufficient to determine the role of this variant in disease. Therefore, it has been classified as a Variant of Uncertain Significance.